The following is an entry in ClinVar:

NM_001378120.1(MBD5):c.935A>T (p.Lys312Ile)

Gene: MBD5 (methyl-CpG binding domain protein 5; plus strand). Cytogenetic location: 2q23.1.
Variant type: single nucleotide variant.
Coding change: c.935A>T on transcript NM_001378120.1 (MANE Select); coding-DNA position 935, A replaced by T.
Protein change: p.Lys312Ile; replaces lysine 312 with isoleucine.
Molecular consequence: missense variant.
Genome position (GRCh38, 1-based): chr2:148,468,878, A>T. VCF-style: chr2-148468878-A-T. GRCh37 (hg19) VCF-style: chr2-149226447-A-T.
Other names: p.K312I:AAA>ATA; c.935A>T, p.Lys312Ile (NM_018328.5); short protein forms K312I.
Identifiers: ClinVar variation 206066 (VCV000206066.9), dbSNP rs146031838, ClinGen allele CA315788.

ClinVar aggregate classification (germline): Conflicting classifications of pathogenicity. Review status: criteria provided, conflicting classifications (1 of 4 stars). 2 submissions from 2 submitters: Uncertain significance (1); Likely benign (1). Last evaluated 2025-01-30.

Conditions:
Intellectual developmental disorder, autosomal dominant 1. Also called: Intellectual disability, autosomal dominant 1; MBD5 Haploinsufficiency. Identifiers: Orphanet 228402, MedGen C1969562, MONDO:0007974, OMIM 156200.

Allele frequency attached by ClinVar (database versions not stated): gnomAD exomes 0.00003; ESP Exome Variant Server 0.00031; ExAC 0.00004; gnomAD 0.00009; TOPMed 0.00010.
gnomAD v4.1: 28 of 1,613,800 alleles (0.0017%); highest among the groups gnomAD compares: African/African-American, 0.033%; no homozygotes.

Submissions (2):

Labcorp Genetics (formerly Invitae), Labcorp
Classification: Uncertain significance for Intellectual developmental disorder, autosomal dominant 1. Last evaluated: 2025-01-30. Review status: criteria provided, single submitter. Criteria: Invitae Variant Classification Sherloc (09022015). Collection method: clinical testing. Allele origin: germline.
Comment: This sequence change replaces lysine, which is basic and polar, with isoleucine, which is neutral and non-polar, at codon 312 of the MBD5 protein (p.Lys312Ile). This variant is present in population databases (rs146031838, gnomAD 0.05%). This variant has not been reported in the literature in individuals affected with MBD5-related conditions. ClinVar contains an entry for this variant (Variation ID: 206066). Invitae Evidence Modeling of protein sequence and biophysical properties (such as structural, functional, and spatial information, amino acid conservation, physicochemical variation, residue mobility, and thermodynamic stability) indicates that this missense variant is not expected to disrupt MBD5 protein function with a negative predictive value of 80%. In summary, the available evidence is currently insufficient to determine the role of this variant in disease. Therefore, it has been classified as a Variant of Uncertain Significance.

GeneDx
Classification: Likely benign. Last evaluated: 2018-09-07. Review status: criteria provided, single submitter. Criteria: GeneDx Variant Classification Process June 2021. Collection method: clinical testing. Allele origin: germline. Affected: yes.